The following is an entry in ClinVar:

ClinVar aggregate classification (germline): Benign (1 of 4 stars; one submission).

Conditions:
Hypomaturation-hypoplastic amelogenesis imperfecta with taurodontism. Also called: Amelogenesis imperfecta, type IV. Identifiers: Orphanet 100034, Orphanet 88661, MedGen C1863012, MONDO:0007093, OMIM 104510. Disease mechanism: loss of function.

Allele frequency attached by ClinVar (database versions not stated): gnomAD exomes 0.00113; 1000 Genomes Project 0.01697; 1000 Genomes Project 30x 0.01733; gnomAD 0.01907 and 0.02070; TOPMed 0.02144.
gnomAD v4.1: 2,893 of 163,416 alleles (1.8%); highest among the groups gnomAD compares: African/African-American, 6.6%; 90 homozygotes.

Submission:

Illumina Laboratory Services, Illumina
Classification: Benign for Hypomaturation-hypoplastic amelogenesis imperfecta with taurodontism. Last evaluated: 2018-01-13. Review status: criteria provided, single submitter. Criteria: ICSL Variant Classification Criteria 13 December 2019. Collection method: clinical testing. Allele origin: germline.
Comment: This variant was observed in the ICSL laboratory as part of a predisposition screen in an ostensibly healthy population. It had not been previously curated by ICSL or reported in the Human Gene Mutation Database (HGMD: prior to June 1st, 2018), and was therefore a candidate for classification through an automated scoring system. Utilizing variant allele frequency, disease prevalence and penetrance estimates, and inheritance mode, an automated score was calculated to assess if this variant is too frequent to cause the disease. Based on the score and internal cut-off values, a variant classified as benign is not then subjected to further curation. The score for this variant resulted in a classification of benign for this disease.

NM_005220.3(DLX3):c.*494A>G

Gene: DLX3 (distal-less homeobox 3; minus strand). Cytogenetic location: 17q21.33.
Variant type: single nucleotide variant.
Coding change: c.*494A>G on transcript NM_005220.3 (MANE Select); 494 bases downstream of the stop codon, A replaced by G.
Molecular consequence: 3 prime UTR variant.
Genome position (GRCh38, 1-based): chr17:49,991,023, T>C on the plus strand (A>G on the coding strand, the complement: DLX3 is on the minus strand). VCF-style: chr17-49991023-T-C. GRCh37 (hg19) VCF-style: chr17-48068387-T-C.
Identifiers: ClinVar variation 324016 (VCV000324016.5), dbSNP rs78617063, ClinGen allele CA10646140.
Genomic context (GRCh38, chr17:49,991,023, plus strand): 5'-CAGGGCGGTGACCAGTTCAGGTCCCCACCCGGAGTCCTCGTCATGATGTCCACTGTCTTA[T>C]TGGCCGAGGGGCCGCTCGAGCAGGGGGAGACCACCAGAGGCTCAGGAGGAACTAGGCCTG-3'